The following is an entry in ClinVar:

NM_006182.4(DDR2):c.418G>T (p.Val140Leu)

Gene: DDR2 (discoidin domain receptor tyrosine kinase 2; plus strand). Cytogenetic location: 1q23.3.
Variant type: single nucleotide variant.
Coding change: c.418G>T on transcript NM_006182.4 (MANE Select); coding-DNA position 418, G replaced by T.
Protein change: p.Val140Leu; replaces valine 140 with leucine.
Molecular consequence: missense variant.
Genome position (GRCh38, 1-based): chr1:162,755,156, G>T. VCF-style: chr1-162755156-G-T. GRCh37 (hg19) VCF-style: chr1-162724946-G-T.
Other names: c.418G>T, p.Val140Leu (NM_001014796.3, NM_001354982.2, NM_001354983.2); short protein forms V140L.
Identifiers: ClinVar variation 1702396 (VCV001702396.4), dbSNP rs756623313, ClinGen allele CA1217245.

ClinVar aggregate classification (germline): Uncertain significance. Review status: criteria provided, multiple submitters, no conflicts (2 of 4 stars). 2 submissions from 2 submitters: Uncertain significance (2). Last evaluated 2025-12-15.

Conditions:
Connective tissue disorder. Also called: Connective tissue disease. Identifiers: MedGen C0009782, MONDO:0003900.

Allele frequency attached by ClinVar (database versions not stated): gnomAD exomes 0.00004; ExAC 0.00007.
gnomAD v4.1: 31 of 1,614,044 alleles (0.0019%); highest among the groups gnomAD compares: South Asian, 0.034%; no homozygotes.

Submissions (2):

Labcorp Genetics (formerly Invitae), Labcorp
Classification: Uncertain significance. Last evaluated: 2025-12-15. Review status: criteria provided, single submitter. Criteria: Invitae Variant Classification Sherloc (09022015). Collection method: clinical testing. Allele origin: germline.
Comment: This sequence change replaces valine, which is neutral and non-polar, with leucine, which is neutral and non-polar, at codon 140 of the DDR2 protein (p.Val140Leu). This variant is present in population databases (rs756623313, gnomAD 0.04%). This variant has not been reported in the literature in individuals affected with DDR2-related conditions. ClinVar contains an entry for this variant (Variation ID: 1702396). An algorithm developed to predict the effect of missense changes on protein structure and function (PolyPhen-2) suggests that this variant is likely to be tolerated. In summary, the available evidence is currently insufficient to determine the role of this variant in disease. Therefore, it has been classified as a Variant of Uncertain Significance.

Genome Diagnostics Laboratory, The Hospital for Sick Children
Classification: Uncertain significance for Connective tissue disorder. Last evaluated: 2019-03-01. Review status: criteria provided, single submitter. Criteria: ACMG Guidelines, 2015. Collection method: clinical testing. Allele origin: germline.